The following is an entry in ClinVar:

ClinVar aggregate classification (germline): Uncertain significance (1 of 4 stars; one submission).

Conditions:
Cardiovascular phenotype. Identifiers: MedGen CN230736.
Hereditary cancer-predisposing syndrome. Also called: Tumor predisposition; Hereditary neoplastic syndrome; Neoplastic Syndromes, Hereditary; Hereditary Cancer Syndrome. Identifiers: Orphanet 140162, MedGen C0027672, MeSH D009386, MONDO:0015356.

Submission:

Ambry Genetics
Classification: Uncertain significance for Cardiovascular phenotype; Hereditary cancer-predisposing syndrome. Last evaluated: 2025-03-18. Review status: criteria provided, single submitter. Criteria: Ambry Variant Classification Scheme 2023. Collection method: clinical testing. Allele origin: germline.
Comment: The c.1186-3T>A intronic variant results from a T to A substitution 3 nucleotides upstream from coding exon 11 in the NF1 gene. This nucleotide position is not well conserved in available vertebrate species. In silico splice site analysis predicts that this alteration will not have any significant effect on splicing. Based on the available evidence, the clinical significance of this variant remains unclear.

NM_001042492.3(NF1):c.1186-3T>A

Gene: NF1 (neurofibromin 1; plus strand). Cytogenetic location: 17q11.2.
Variant type: single nucleotide variant.
Coding change: c.1186-3T>A on transcript NM_001042492.3 (MANE Select); 3 bases into the intron before coding-DNA position 1186, T replaced by A.
Molecular consequence: intron variant.
Genome position (GRCh38, 1-based): chr17:31,201,408, T>A. VCF-style: chr17-31201408-T-A. GRCh37 (hg19) VCF-style: chr17-29528426-T-A.
Other names: c.1186-3T>A (NM_000267.4, NM_001128147.3).
Identifiers: ClinVar variation 4012548 (VCV004012548.1).